The following is an entry in ClinVar:

NM_002661.5(PLCG2):c.110C>T (p.Thr37Ile)

Gene: PLCG2 (phospholipase C gamma 2; plus strand). Cytogenetic location: 16q23.3.
Variant type: single nucleotide variant.
Coding change: c.110C>T on transcript NM_002661.5 (MANE Select); coding-DNA position 110, C replaced by T.
Protein change: p.Thr37Ile; replaces threonine 37 with isoleucine.
Molecular consequence: missense variant.
Genome position (GRCh38, 1-based): chr16:81,786,099, C>T. VCF-style: chr16-81786099-C-T. GRCh37 (hg19) VCF-style: chr16-81819704-C-T.
Other names: c.110C>T, p.Thr37Ile (NM_001425749.1, NM_001425750.1, NM_001425751.1); short protein forms T37I.
Identifiers: ClinVar variation 3695269 (VCV003695269.2).

ClinVar aggregate classification (germline): Uncertain significance (1 of 4 stars; one submission).

Conditions:
Familial cold autoinflammatory syndrome 3 (FCAS3). Also called: FAMILIAL ATYPICAL COLD URTICARIA; ANTIBODY DEFICIENCY AND IMMUNE DYSREGULATION, PLCG2-ASSOCIATED. Identifiers: Orphanet 300359, MedGen C3280914, MONDO:0013766, OMIM 614468.

Submission:

Labcorp Genetics (formerly Invitae), Labcorp
Classification: Uncertain significance for Familial cold autoinflammatory syndrome 3. Last evaluated: 2024-05-15. Review status: criteria provided, single submitter. Criteria: Invitae Variant Classification Sherloc (09022015). Collection method: clinical testing. Allele origin: germline.
Comment: This sequence change replaces threonine, which is neutral and polar, with isoleucine, which is neutral and non-polar, at codon 37 of the PLCG2 protein (p.Thr37Ile). This variant is not present in population databases (gnomAD no frequency). This variant has not been reported in the literature in individuals affected with PLCG2-related conditions. An algorithm developed to predict the effect of missense changes on protein structure and function (PolyPhen-2) suggests that this variant is likely to be tolerated. In summary, the available evidence is currently insufficient to determine the role of this variant in disease. Therefore, it has been classified as a Variant of Uncertain Significance.